The following is an entry in ClinVar:

NM_001040142.2(SCN2A):c.1027G>A (p.Asp343Asn)

Gene: SCN2A (sodium voltage-gated channel alpha subunit 2; plus strand). Cytogenetic location: 2q24.3.
Variant type: single nucleotide variant.
Coding change: c.1027G>A on transcript NM_001040142.2 (MANE Select); coding-DNA position 1027, G replaced by A.
Protein change: p.Asp343Asn; replaces aspartic acid 343 with asparagine.
Molecular consequence: missense variant.
Genome position (GRCh38, 1-based): chr2:165,312,081, G>A. VCF-style: chr2-165312081-G-A. GRCh37 (hg19) VCF-style: chr2-166168591-G-A.
Other names: c.1027G>A, p.Asp343Asn (NM_001040143.2, NM_001371246.1, NM_001371247.1 and 1 more transcripts); short protein forms D343N.
Identifiers: ClinVar variation 2575945 (VCV002575945.2), dbSNP rs796053175, ClinGen allele CA349019870.

ClinVar aggregate classification (germline): Conflicting classifications of pathogenicity. Review status: criteria provided, conflicting classifications (1 of 4 stars). 2 submissions from 2 submitters: Likely pathogenic (1); Uncertain significance (1). Last evaluated 2022-04-04.

Submissions (2):

Institute for Clinical Genetics, University Hospital TU Dresden, University Hospital TU Dresden
Classification: Likely pathogenic. Last evaluated: 2022-04-04. Review status: criteria provided, single submitter. Criteria: ACMG Guidelines, 2015. Collection method: clinical testing. Allele origin: de novo.
Comment: PS2, PP3, PM5, PP2, PM2_SUP

Blueprint Genetics
Classification: Uncertain significance. Last evaluated: 2020-03-06. Review status: criteria provided, single submitter. Criteria: ACMG Guidelines, 2015. Collection method: clinical testing. Allele origin: germline.